The following is an entry in ClinVar:

ClinVar aggregate classification (germline): Uncertain significance (1 of 4 stars; one submission).

gnomAD v4.1: 52 of 1,613,960 alleles (0.0032%); highest among the groups gnomAD compares: Non-Finnish European, 0.0042%; no homozygotes.

Submission:

Labcorp Genetics (formerly Invitae), Labcorp
Classification: Uncertain significance. Last evaluated: 2025-10-19. Review status: criteria provided, single submitter. Criteria: Invitae Variant Classification Sherloc (09022015). Collection method: clinical testing. Allele origin: germline.
Comment: This sequence change replaces isoleucine, which is neutral and non-polar, with threonine, which is neutral and polar, at codon 2007 of the VPS13C protein (p.Ile2007Thr). This variant is present in population databases (rs368291106, gnomAD 0.01%). This variant has not been reported in the literature in individuals affected with VPS13C-related conditions. Invitae Evidence Modeling of protein sequence and biophysical properties (such as structural, functional, and spatial information, amino acid conservation, physicochemical variation, residue mobility, and thermodynamic stability) has been performed for this missense variant. However, the output from this modeling did not meet the statistical confidence thresholds required to predict the impact of this variant on VPS13C protein function. In summary, the available evidence is currently insufficient to determine the role of this variant in disease. Therefore, it has been classified as a Variant of Uncertain Significance.

NM_020821.3(VPS13C):c.6020T>C (p.Ile2007Thr)

Gene: VPS13C (vacuolar protein sorting 13 homolog C; minus strand). Cytogenetic location: 15q22.2.
Variant type: single nucleotide variant.
Coding change: c.6020T>C on transcript NM_020821.3 (MANE Select); coding-DNA position 6020, T replaced by C.
Protein change: p.Ile2007Thr; replaces isoleucine 2007 with threonine.
Molecular consequence: missense variant.
Genome position (GRCh38, 1-based): chr15:61,931,108, A>G on the plus strand (T>C on the coding strand, the complement: VPS13C is on the minus strand). VCF-style: chr15-61931108-A-G. GRCh37 (hg19) VCF-style: chr15-62223307-A-G.
Other names: c.6020T>C, p.Ile2007Thr (NM_001018088.3); c.5891T>C, p.Ile1964Thr (NM_017684.5, NM_018080.4); short protein forms I1964T, I2007T.
Identifiers: ClinVar variation 4740026 (VCV004740026.1).